The following is an entry in ClinVar:

ClinVar aggregate classification (germline): Likely benign. Review status: reviewed by expert panel (3 of 4 stars). 3 submissions from 3 submitters: Likely benign (1). 2 of the submissions do not count toward it. Last evaluated 2026-05-04.

Conditions:
Inborn genetic diseases. Identifiers: MedGen C0950123, MeSH D030342.
Hereditary thrombocytopenia and hematologic cancer predisposition syndrome. Identifiers: Orphanet 71290, MedGen CN281654, MONDO:0011071.
Hereditary thrombocytopenia and hematological cancer predisposition syndrome associated with RUNX1. Also called: Familial Platelet Disorder with Propensity to Acute Myelogenous Leukemia; Familial thrombocytopenia with propensity to acute myelogenous leukemia; RUNX1 Familial Platelet Disorder with Associated Myeloid Malignancies; PLATELET DISORDER, ASPIRIN-LIKE. Identifiers: Orphanet 71290, MedGen C1832388, MeSH C563324, MONDO:0100083, OMIM 601399.

Allele frequency attached by ClinVar (database versions not stated): TOPMed below 0.00001; gnomAD 0.00001.

Submissions (3):

ClinGen Myeloid Malignancy Variant Curation Expert Panel
Classification: Likely benign for Hereditary thrombocytopenia and hematologic cancer predisposition syndrome. Last evaluated: 2026-05-04. Review status: reviewed by expert panel. Criteria: ClinGen MyeloMalig ACMG Specifications V3.1. Collection method: curation. Allele origin: germline. Inheritance: Autosomal dominant inheritance.
Comment: The NM_001754.5(RUNX1):c.111C>T (p.Ser37=) is a synonymous variant which has a SpliceAI score ≤ 0.20 (0.01) (BP4, BP7). This variant is completely absent from all population databases with at least 20x coverage for RUNX1 (PM2_supporting). In summary, this variant meets criteria to be classified as likely benign. ACMG/AMP criteria applied, as specified by the Myeloid Malignancy Variant Curation Expert Panel for RUNX1: BP4, BP7, PM2_supporting.

Ambry Genetics
Classification: Likely benign for Inborn genetic diseases. Last evaluated: 2025-11-10. Review status: criteria provided, single submitter. Criteria: Ambry Variant Classification Scheme 2023. Collection method: clinical testing. Allele origin: germline. Not counted in ClinVar's aggregate classification.

Labcorp Genetics (formerly Invitae), Labcorp
Classification: Likely benign for Hereditary thrombocytopenia and hematological cancer predisposition syndrome associated with RUNX1. Last evaluated: 2022-11-08. Review status: criteria provided, single submitter. Criteria: Invitae Variant Classification Sherloc (09022015). Collection method: clinical testing. Allele origin: germline. Not counted in ClinVar's aggregate classification.

NM_001754.5(RUNX1):c.111C>T (p.Ser37=)

Gene: RUNX1 (RUNX family transcription factor 1; minus strand). Cytogenetic location: 21q22.12.
Variant type: single nucleotide variant.
Coding change: c.111C>T on transcript NM_001754.5 (MANE Select); coding-DNA position 111, C replaced by T.
Protein change: p.Ser37=; no amino-acid change (serine 37 retained).
Molecular consequence: synonymous variant.
Genome position (GRCh38, 1-based): chr21:34,887,083, G>A on the plus strand (C>T on the coding strand, the complement: RUNX1 is on the minus strand). VCF-style: chr21-34887083-G-A. GRCh37 (hg19) VCF-style: chr21-36259380-G-A.
Other names: NM_001754.5(RUNX1):c.111C>T; c.30C>T, p.Ser10= (NM_001001890.3, NM_001122607.2); c.111C>T (NM_001754.4).
Identifiers: ClinVar variation 532683 (VCV000532683.11), dbSNP rs1555899908, ClinGen allele CA512318995.
Genomic context (GRCh38, chr21:34,887,083, plus strand): 5'-CGGCAACGCCTCGCTCATCTTGCCTGGGCTCAGCGCGGTGGAAGGCGGCGTGAAGCGGCG[G>A]CTCGTGCTGGCATCTACGGGGATACGCATCACAACAAGCCGATTGAGTTAGGACCCTGCA-3'
Protein context (NP_001745.2, residues 27-47): PSRDVHDAST[Ser37=]RRFTPPSTAL